The following is an entry in ClinVar:

ClinVar aggregate classification (germline): Likely benign (0 of 4 stars; one submission).

Conditions:
MASP1-related disorder. Also called: MASP1-related condition.

Allele frequency attached by ClinVar (database versions not stated): gnomAD 0.00001; gnomAD exomes 0.00001; TOPMed 0.00001.
gnomAD v4.1: 25 of 1,614,056 alleles (0.0015%); highest among the groups gnomAD compares: East Asian, 0.0045%; no homozygotes.

Submission:

PreventionGenetics, part of Exact Sciences
Classification: Likely benign for MASP1-related condition. Last evaluated: 2019-11-19. Review status: no assertion criteria provided. Collection method: clinical testing. Allele origin: germline.
Comment: This variant is classified as likely benign based on ACMG/AMP sequence variant interpretation guidelines (Richards et al. 2015 PMID: 25741868, with internal and published modifications).

NM_001879.6(MASP1):c.1599C>T (p.Leu533=)

Gene: MASP1 (MBL associated serine protease 1; minus strand). Cytogenetic location: 3q27.3.
Variant type: single nucleotide variant.
Coding change: c.1599C>T on transcript NM_001879.6 (MANE Plus Clinical); coding-DNA position 1599, C replaced by T.
Protein change: p.Leu533=; no amino-acid change (leucine 533 retained).
Molecular consequence: synonymous variant.
Genome position (GRCh38, 1-based): chr3:187,225,466, G>A on the plus strand (C>T on the coding strand, the complement: MASP1 is on the minus strand). VCF-style: chr3-187225466-G-A. GRCh37 (hg19) VCF-style: chr3-186943254-G-A.
Identifiers: ClinVar variation 3045187 (VCV003045187.2), dbSNP rs1474876035, ClinGen allele CA437383665.